The following is an entry in ClinVar:

ClinVar aggregate classification (germline): Uncertain significance. Review status: criteria provided, multiple submitters, no conflicts (2 of 4 stars). 2 submissions from 2 submitters: Uncertain significance (2). Last evaluated 2024-12-05.

gnomAD v4.1: 2 of 1,614,202 alleles (0.00012%); highest among the groups gnomAD compares: Non-Finnish European, 0.00017%; no homozygotes.

Submissions (2):

Ambry Genetics
Classification: Uncertain significance. Last evaluated: 2024-12-05. Review status: criteria provided, single submitter. Criteria: Ambry Variant Classification Scheme 2023. Collection method: clinical testing. Allele origin: germline.

Women's Health and Genetics/Laboratory Corporation of America, LabCorp
Classification: Uncertain significance. Last evaluated: 2024-11-12. Review status: criteria provided, single submitter. Criteria: LabCorp Variant Classification Summary - May 2015. Collection method: clinical testing. Allele origin: germline.
Comment: Variant summary: CLCN6 c.317C>T (p.Thr106Ile) results in a non-conservative amino acid change located in the Clc chloride channel domain (IPR014743) of the encoded protein sequence. Four of five in-silico tools predict a damaging effect of the variant on protein function. The variant was absent in 251474 control chromosomes. The available data on variant occurrences in the general population are insufficient to allow any conclusion about variant significance. To our knowledge, no occurrence of c.317C>T in individuals affected with Neurodegeneration, Childhood-Onset, With Hypotonia, Respiratory Insufficiency, And Brain Imaging Abnormalities and no experimental evidence demonstrating its impact on protein function have been reported. No submitters have cited clinical-significance assessments for this variant to ClinVar. Based on the evidence outlined above, the variant was classified as uncertain significance.

NM_001286.5(CLCN6):c.317C>T (p.Thr106Ile)

Gene: CLCN6 (chloride voltage-gated channel 6; plus strand). Cytogenetic location: 1p36.22.
Variant type: single nucleotide variant.
Coding change: c.317C>T on transcript NM_001286.5 (MANE Select); coding-DNA position 317, C replaced by T.
Protein change: p.Thr106Ile; replaces threonine 106 with isoleucine.
Molecular consequence: missense variant. On other transcripts: non-coding transcript variant (1).
Genome position (GRCh38, 1-based): chr1:11,819,525, C>T. VCF-style: chr1-11819525-C-T. GRCh37 (hg19) VCF-style: chr1-11879582-C-T.
Other names: c.251C>T, p.Thr84Ile (NM_001256959.2); short protein forms T84I, T106I.
Identifiers: ClinVar variation 3493329 (VCV003493329.2).